The following is an entry in ClinVar:

NM_001393769.1(MED12L):c.5051A>T (p.Asn1684Ile)

Gene: MED12L (mediator complex subunit 12L; plus strand). Cytogenetic location: 3q25.1.
Variant type: single nucleotide variant.
Coding change: c.5051A>T on transcript NM_001393769.1 (MANE Select); coding-DNA position 5051, A replaced by T.
Protein change: p.Asn1684Ile; replaces asparagine 1684 with isoleucine.
Molecular consequence: missense variant.
Genome position (GRCh38, 1-based): chr3:151,385,154, A>T. VCF-style: chr3-151385154-A-T. GRCh37 (hg19) VCF-style: chr3-151102942-A-T.
Other names: c.4946A>T, p.Asn1649Ile (NM_053002.6); short protein forms N1649I, N1684I.
Identifiers: ClinVar variation 4813911 (VCV004813911.2).

ClinVar aggregate classification (germline): Uncertain significance (1 of 4 stars; one submission).

Submission:

GeneDx
Classification: Uncertain significance. Last evaluated: 2026-09-03. Review status: criteria provided, single submitter. Criteria: GeneDx Variant Classification Process June 2021. Collection method: clinical testing. Allele origin: germline.
Comment: Not observed at significant frequency in large population cohorts (gnomAD); In silico analysis supports that this missense variant has a deleterious effect on protein structure/function; Has not been previously published as pathogenic or benign to our knowledge